The following is an entry in ClinVar:

ClinVar aggregate classification (germline): Uncertain significance (1 of 4 stars; one submission).

Conditions:
Malignant hyperthermia, susceptibility to, 1 (MHS1). Also called: Anesthesia related hyperthermia; Malignant hyperpyrexia; Fulminating hyperpyrexia; Pharmacogenic myopathy; RYR1-Related Malignant Hyperthermia Susceptibility; Malignant hyperthermia suceptibility 1. Identifiers: Orphanet 423, MedGen C2930980, MONDO:0007783, OMIM 145600.

Allele frequency attached by ClinVar (database versions not stated): gnomAD exomes below 0.00001.
gnomAD v4.1: 1 of 1,565,614 alleles (0.000064%); highest among the groups gnomAD compares: Non-Finnish European, 0.000087%; no homozygotes.

Submission:

All of Us Research Program, National Institutes of Health
Classification: Uncertain significance for Malignant hyperthermia, susceptibility to, 1. Last evaluated: 2023-08-28. Review status: criteria provided, single submitter. Criteria: ACMG Guidelines, 2015. Collection method: clinical testing. Allele origin: germline. Inheritance: Autosomal dominant inheritance. Observed: 1 variant allele, 1 heterozygote.
Comment: This missense variant replaces alanine with proline at codon 1338 of the RYR1 protein. Computational prediction is inconclusive regarding the impact of this variant on protein structure and function (internally defined REVEL score threshold 0.5 < inconclusive < 0.7, PMID: 27666373). To our knowledge, functional studies have not been reported for this variant. This variant has not been reported in individuals affected with RYR1-related disorders in the literature. This variant has not been identified in the general population by the Genome Aggregation Database (gnomAD). The available evidence is insufficient to determine the role of this variant in disease conclusively. Therefore, this variant is classified as a Variant of Uncertain Significance.

This study involves interpretation of variants in research participants for the purpose of population health screening. Participant phenotype was not available at the time of variant classification. Additional details can be found in publication PMID: 35346344, PMCID: PMC8962531

NM_000540.3(RYR1):c.4012G>C (p.Ala1338Pro)

Gene: RYR1 (ryanodine receptor 1; plus strand). Cytogenetic location: 19q13.2.
Variant type: single nucleotide variant.
Coding change: c.4012G>C on transcript NM_000540.3 (MANE Select); coding-DNA position 4012, G replaced by C.
Protein change: p.Ala1338Pro; replaces alanine 1338 with proline.
Molecular consequence: missense variant.
Genome position (GRCh38, 1-based): chr19:38,473,623, G>C. VCF-style: chr19-38473623-G-C. GRCh37 (hg19) VCF-style: chr19-38964263-G-C.
Other names: c.4012G>C, p.Ala1338Pro (NM_001042723.2); short protein forms A1338P.
Identifiers: ClinVar variation 3073230 (VCV003073230.1), dbSNP rs2514148154, ClinGen allele CA405642584.